The following is an entry in ClinVar:

ClinVar aggregate classification (germline): Uncertain significance (1 of 4 stars; one submission).

Allele frequency attached by ClinVar (database versions not stated): ExAC 0.00001; gnomAD 0.00002; TOPMed 0.00004.
gnomAD v4.1: 20 of 1,613,960 alleles (0.0012%); highest among the groups gnomAD compares: Middle Eastern, 0.016%; no homozygotes.

Submission:

Labcorp Genetics (formerly Invitae), Labcorp
Classification: Uncertain significance. Last evaluated: 2023-12-28. Review status: criteria provided, single submitter. Criteria: Invitae Variant Classification Sherloc (09022015). Collection method: clinical testing. Allele origin: germline.
Comment: This sequence change replaces valine, which is neutral and non-polar, with isoleucine, which is neutral and non-polar, at codon 225 of the GUCY1A1 protein (p.Val225Ile). This variant is present in population databases (rs769362284, gnomAD 0.007%). This variant has not been reported in the literature in individuals affected with GUCY1A1-related conditions. Advanced modeling of protein sequence and biophysical properties (such as structural, functional, and spatial information, amino acid conservation, physicochemical variation, residue mobility, and thermodynamic stability) performed at Invitae indicates that this missense variant is not expected to disrupt GUCY1A1 protein function with a negative predictive value of 80%. In summary, the available evidence is currently insufficient to determine the role of this variant in disease. Therefore, it has been classified as a Variant of Uncertain Significance.

NM_001130682.3(GUCY1A1):c.673G>A (p.Val225Ile)

Gene: GUCY1A1 (guanylate cyclase 1 soluble subunit alpha 1; plus strand). Cytogenetic location: 4q32.1.
Variant type: single nucleotide variant.
Coding change: c.673G>A on transcript NM_001130682.3 (MANE Select); coding-DNA position 673, G replaced by A.
Protein change: p.Val225Ile; replaces valine 225 with isoleucine.
Molecular consequence: missense variant. On other transcripts: 5 prime UTR variant (1), intron variant (1).
Genome position (GRCh38, 1-based): chr4:155,710,838, G>A. VCF-style: chr4-155710838-G-A. GRCh37 (hg19) VCF-style: chr4-156631990-G-A.
Other names: c.673G>A, p.Val225Ile (NM_000856.6, NM_001130683.4, NM_001130684.3 and 12 more transcripts); c.-33G>A (NM_001130685.3); c.377-211G>A (NM_001379676.1); short protein forms V225I.
Identifiers: ClinVar variation 2994864 (VCV002994864.3), dbSNP rs769362284, ClinGen allele CA3117236.